The following is an entry in ClinVar:

ClinVar aggregate classification (germline): Uncertain significance (1 of 4 stars; one submission).

Submission:

Labcorp Genetics (formerly Invitae), Labcorp
Classification: Uncertain significance. Last evaluated: 2022-11-01. Review status: criteria provided, single submitter. Criteria: Invitae Variant Classification Sherloc (09022015). Collection method: clinical testing. Allele origin: germline.
Comment: In summary, the available evidence is currently insufficient to determine the role of this variant in disease. Therefore, it has been classified as a Variant of Uncertain Significance. Algorithms developed to predict the effect of missense changes on protein structure and function are either unavailable or do not agree on the potential impact of this missense change (SIFT: "Tolerated"; PolyPhen-2: "Possibly Damaging"; Align-GVGD: "Class C0"). ClinVar contains an entry for this variant (Variation ID: 839120). This variant has not been reported in the literature in individuals affected with RP1-related conditions. This variant is not present in population databases (gnomAD no frequency). This sequence change replaces phenylalanine, which is neutral and non-polar, with tyrosine, which is neutral and polar, at codon 2032 of the RP1 protein (p.Phe2032Tyr).

NM_006269.2(RP1):c.6095T>A (p.Phe2032Tyr)

Gene: RP1 (RP1 axonemal microtubule associated; plus strand). Cytogenetic location: 8q12.1.
Variant type: single nucleotide variant.
Coding change: c.6095T>A on transcript NM_006269.2 (MANE Select); coding-DNA position 6095, T replaced by A.
Protein change: p.Phe2032Tyr; replaces phenylalanine 2032 with tyrosine.
Molecular consequence: missense variant. On other transcripts: intron variant (1).
Genome position (GRCh38, 1-based): chr8:54,629,977, T>A. VCF-style: chr8-54629977-T-A. GRCh37 (hg19) VCF-style: chr8-55542537-T-A.
Other names: c.787+7689T>A (NM_001375654.1); short protein forms F2032Y.
Identifiers: ClinVar variation 839120 (VCV000839120.11), dbSNP rs1806205897, ClinGen allele CA370990464.